The following is an entry in ClinVar:

ClinVar aggregate classification (germline): Likely benign. Review status: criteria provided, multiple submitters, no conflicts (2 of 4 stars). 2 submissions from 2 submitters: Likely benign (2). Last evaluated 2026-01-11.

Conditions:
SMAD4-related disorder. Also called: SMAD4-related condition; SMAD4-Related disorders.
Familial thoracic aortic aneurysm and aortic dissection (TAAD). Also called: Thoracic aortic aneurysms and dissections. Identifiers: Orphanet 91387, MedGen C4707243, MONDO:0019625.
Hereditary cancer-predisposing syndrome. Also called: Hereditary Cancer Syndrome; Hereditary neoplastic syndrome; Neoplastic Syndromes, Hereditary; Tumor predisposition. Identifiers: Orphanet 140162, MedGen C0027672, MeSH D009386, MONDO:0015356.

Submissions (2):

PreventionGenetics, part of Exact Sciences
Classification: Likely benign for SMAD4-related condition. Last evaluated: 2026-01-11. Review status: criteria provided, single submitter. Criteria: ACMG Guidelines, 2015. Collection method: clinical testing. Allele origin: germline.
Comment: This variant is classified as likely benign based on ACMG/AMP sequence variant interpretation guidelines (Richards et al. 2015 PMID: 25741868, with internal and published modifications).

Ambry Genetics
Classification: Likely benign for Hereditary cancer-predisposing syndrome; Familial thoracic aortic aneurysm and aortic dissection. Last evaluated: 2025-08-02. Review status: criteria provided, single submitter. Criteria: Ambry Variant Classification Scheme 2023. Collection method: clinical testing. Allele origin: germline.

NM_005359.6(SMAD4):c.1335A>T (p.Arg445=)

Gene: SMAD4 (SMAD family member 4; plus strand). Cytogenetic location: 18q21.2.
Variant type: single nucleotide variant.
Coding change: c.1335A>T on transcript NM_005359.6 (MANE Select); coding-DNA position 1335, A replaced by T.
Protein change: p.Arg445=; no amino-acid change (arginine 445 retained).
Molecular consequence: synonymous variant. On other transcripts: non-coding transcript variant (1).
Genome position (GRCh38, 1-based): chr18:51,076,664, A>T. VCF-style: chr18-51076664-A-T. GRCh37 (hg19) VCF-style: chr18-48603034-A-T.
Other names: c.1335A>T, p.Arg445= (NM_001407041.1, NM_001407042.1).
Identifiers: ClinVar variation 4170045 (VCV004170045.2).